The following is an entry in ClinVar:

ClinVar aggregate classification (germline): Likely pathogenic (1 of 4 stars; one submission).

Conditions:
Progressive sclerosing poliodystrophy (MTDPS4A). Also called: ALPERS PROGRESSIVE INFANTILE POLIODYSTROPHY; NEURONAL DEGENERATION OF CHILDHOOD WITH LIVER DISEASE, PROGRESSIVE; Alpers Syndrome; ALPERS DIFFUSE DEGENERATION OF CEREBRAL GRAY MATTER WITH HEPATIC CIRRHOSIS; Alpers-Huttenlocher Syndrome; Mitochondrial DNA depletion syndrome 4A (Alpers type). Identifiers: Orphanet 726, MedGen C0205710, MONDO:0008758, OMIM 203700.

Submission:

Labcorp Genetics (formerly Invitae), Labcorp
Classification: Likely pathogenic for Progressive sclerosing poliodystrophy. Last evaluated: 2024-03-27. Review status: criteria provided, single submitter. Criteria: Invitae Variant Classification Sherloc (09022015). Collection method: clinical testing. Allele origin: germline.
Comment: This sequence change replaces serine, which is neutral and polar, with arginine, which is basic and polar, at codon 1181 of the POLG protein (p.Ser1181Arg). This variant is not present in population databases (gnomAD no frequency). This variant has not been reported in the literature in individuals affected with POLG-related conditions. Advanced modeling of protein sequence and biophysical properties (such as structural, functional, and spatial information, amino acid conservation, physicochemical variation, residue mobility, and thermodynamic stability) performed at Invitae indicates that this missense variant is expected to disrupt POLG protein function with a positive predictive value of 95%. This variant disrupts the p.Ser1181 amino acid residue in POLG. Other variant(s) that disrupt this residue have been determined to be pathogenic (PMID: 35101151). This suggests that this residue is clinically significant, and that variants that disrupt this residue are likely to be disease-causing. In summary, the currently available evidence indicates that the variant is pathogenic, but additional data are needed to prove that conclusively. Therefore, this variant has been classified as Likely Pathogenic.

Literature cited by the submitters: PubMed 35101151.

NM_002693.3(POLG):c.3543T>A (p.Ser1181Arg)

Gene: POLG (DNA polymerase gamma, catalytic subunit; minus strand). Cytogenetic location: 15q26.1.
Variant type: single nucleotide variant.
Coding change: c.3543T>A on transcript NM_002693.3 (MANE Select); coding-DNA position 3543, T replaced by A.
Protein change: p.Ser1181Arg; replaces serine 1181 with arginine.
Molecular consequence: missense variant.
Genome position (GRCh38, 1-based): chr15:89,317,476, A>T on the plus strand (T>A on the coding strand, the complement: POLG is on the minus strand). VCF-style: chr15-89317476-A-T. GRCh37 (hg19) VCF-style: chr15-89860707-A-T.
Other names: c.3543T>A, p.Ser1181Arg (NM_001126131.2); short protein forms S1181R.
Identifiers: ClinVar variation 3709244 (VCV003709244.2).